The following is an entry in ClinVar:

ClinVar aggregate classification (germline): Uncertain significance (1 of 4 stars; one submission).

Conditions:
Left ventricular noncompaction 8 (LVNC8). Identifiers: Orphanet 154, Orphanet 54260, MedGen C3809288, MONDO:0014152, OMIM 615373.

Submission:

Labcorp Genetics (formerly Invitae), Labcorp
Classification: Uncertain significance for Left ventricular noncompaction 8. Last evaluated: 2021-12-17. Review status: criteria provided, single submitter. Criteria: Invitae Variant Classification Sherloc (09022015). Collection method: clinical testing. Allele origin: germline.
Comment: This variant has not been reported in the literature in individuals affected with PRDM16-related conditions. In summary, the available evidence is currently insufficient to determine the role of this variant in disease. Therefore, it has been classified as a Variant of Uncertain Significance. Algorithms developed to predict the effect of sequence changes on RNA splicing suggest that this variant may disrupt the consensus splice site. This variant is not present in population databases (gnomAD no frequency). This sequence change affects a donor splice site in intron 13 of the PRDM16 gene. It is expected to disrupt RNA splicing. Variants that disrupt the donor or acceptor splice site typically lead to a loss of protein function (PMID: 16199547), however the current clinical and genetic evidence is not sufficient to establish whether loss-of-function variants in PRDM16 cause disease.

Literature cited by the submitters: PubMed 16199547.

NM_022114.4(PRDM16):c.3109+1G>C

Gene: PRDM16 (PR/SET domain 16; plus strand). Cytogenetic location: 1p36.32.
Variant type: single nucleotide variant.
Coding change: c.3109+1G>C on transcript NM_022114.4 (MANE Select); the canonical splice donor site of the intron after coding-DNA position 3109, G replaced by C.
Molecular consequence: splice donor variant.
Genome position (GRCh38, 1-based): chr1:3,425,751, G>C. VCF-style: chr1-3425751-G-C. GRCh37 (hg19) VCF-style: chr1-3342315-G-C.
Other names: c.3109+1G>C (NM_199454.3).
Identifiers: ClinVar variation 1522575 (VCV001522575.6), dbSNP rs2100692478, ClinGen allele CA338002487.